The following is an entry in ClinVar:

NM_007294.4(BRCA1):c.*713C>T

Gene: BRCA1 (BRCA1 DNA repair associated; minus strand). Cytogenetic location: 17q21.31.
Variant type: single nucleotide variant.
Coding change: c.*713C>T on transcript NM_007294.4 (MANE Select); 713 bases downstream of the stop codon, C replaced by T.
Molecular consequence: 3 prime UTR variant. On other transcripts: non-coding transcript variant (1).
Genome position (GRCh38, 1-based): chr17:43,044,965, G>A on the plus strand (C>T on the coding strand, the complement: BRCA1 is on the minus strand). VCF-style: chr17-43044965-G-A. GRCh37 (hg19) VCF-style: chr17-41196982-G-A.
Other names: c.*713C>T (NM_001407983.1, NM_001407984.1, NM_001407985.1 and 348 more transcripts); c.*819C>T (NM_001407854.1, NM_001407858.1, NM_001407859.1 and 14 more transcripts).
Identifiers: ClinVar variation 1337343 (VCV001337343.6), dbSNP rs773119778, ClinGen allele CA059482.

ClinVar aggregate classification (germline): Uncertain significance. Review status: criteria provided, single submitter (1 of 4 stars). 2 submissions from 2 submitters: Uncertain significance (1). 1 of the submissions does not count toward it. Last evaluated 2019-08-27.

Conditions:
BRCA1-related disorder. Also called: BRCA1-related condition.

Allele frequency attached by ClinVar (database versions not stated): TOPMed 0.00017; gnomAD 0.00018 and 0.00024; gnomAD exomes 0.00048 and 0.00053; ExAC 0.00196.

Submissions (2):

Genetic Services Laboratory, University of Chicago
Classification: Uncertain significance. Last evaluated: 2019-08-27. Review status: criteria provided, single submitter. Criteria: ACMG Guidelines, 2015. Collection method: clinical testing. Allele origin: germline. Affected: no.

PreventionGenetics, part of Exact Sciences
Classification: Likely benign for BRCA1-related condition. Last evaluated: 2019-07-17. Review status: no assertion criteria provided. Collection method: clinical testing. Allele origin: germline. Not counted in ClinVar's aggregate classification.
Comment: This variant is classified as likely benign based on ACMG/AMP sequence variant interpretation guidelines (Richards et al. 2015 PMID: 25741868, with internal and published modifications).